The following is an entry in ClinVar:

ClinVar aggregate classification (germline): Uncertain significance. Review status: criteria provided, multiple submitters, no conflicts (2 of 4 stars). 2 submissions from 2 submitters: Uncertain significance (2). Last evaluated 2026-07-23.

Conditions:
Familial hypobetalipoproteinemia 1. Also called: APOB-Related Familial Hypobetalipoproteinemia; Hypobetalipoproteinemia, normotriglyceridemic; Acanthocytosis with hypobetalipoproteinemia. Identifiers: MedGen C4551990, MONDO:0014252, OMIM 615558.
Hypercholesterolemia, autosomal dominant, type B (FHCL2). Also called: Hyperlipoproteinemia Type IIb; Familial Hypercholesterolemia Type B; APOLIPOPROTEIN B-100, FAMILIAL DEFECTIVE; APOLIPOPROTEIN B-100, FAMILIAL LIGAND-DEFECTIVE; HYPERCHOLESTEROLEMIA, FAMILIAL, DUE TO LIGAND-DEFECTIVE APOLIPOPROTEIN B; Familial hypercholesterolemia 2. Identifiers: MedGen C1704417, MONDO:0007751, OMIM 144010.
Cardiovascular phenotype. Identifiers: MedGen CN230736.

Allele frequency attached by ClinVar (database versions not stated): gnomAD 0.00001; TOPMed 0.00001.
gnomAD v4.1: 19 of 1,614,082 alleles (0.0012%); highest among the groups gnomAD compares: Non-Finnish European, 0.0014%; no homozygotes.

Submissions (2):

Ambry Genetics
Classification: Uncertain significance for Cardiovascular phenotype. Last evaluated: 2026-07-23. Review status: criteria provided, single submitter. Criteria: Ambry Variant Classification Scheme 2023. Collection method: clinical testing. Allele origin: germline.

Labcorp Genetics (formerly Invitae), Labcorp
Classification: Uncertain significance for Familial hypobetalipoproteinemia 1; Hypercholesterolemia, autosomal dominant, type B. Last evaluated: 2025-10-11. Review status: criteria provided, single submitter. Criteria: Invitae Variant Classification Sherloc (09022015). Collection method: clinical testing. Allele origin: germline.
Comment: This sequence change replaces leucine, which is neutral and non-polar, with tryptophan, which is neutral and slightly polar, at codon 1345 of the APOB protein (p.Leu1345Trp). This variant is present in population databases (rs200775684, gnomAD 0.0009%). This variant has not been reported in the literature in individuals affected with APOB-related conditions. ClinVar contains an entry for this variant (Variation ID: 2451304). Invitae Evidence Modeling of protein sequence and biophysical properties (such as structural, functional, and spatial information, amino acid conservation, physicochemical variation, residue mobility, and thermodynamic stability) indicates that this missense variant is not expected to disrupt APOB protein function with a negative predictive value of 95%. In summary, the available evidence is currently insufficient to determine the role of this variant in disease. Therefore, it has been classified as a Variant of Uncertain Significance.

NM_000384.3(APOB):c.4034T>G (p.Leu1345Trp)

Gene: APOB (apolipoprotein B; minus strand). Cytogenetic location: 2p24.1.
Variant type: single nucleotide variant.
Coding change: c.4034T>G on transcript NM_000384.3 (MANE Select); coding-DNA position 4034, T replaced by G.
Protein change: p.Leu1345Trp; replaces leucine 1345 with tryptophan.
Molecular consequence: missense variant.
Genome position (GRCh38, 1-based): chr2:21,013,342, A>C on the plus strand (T>G on the coding strand, the complement: APOB is on the minus strand). VCF-style: chr2-21013342-A-C. GRCh37 (hg19) VCF-style: chr2-21236214-A-C.
Other names: short protein forms L1345W.
Identifiers: ClinVar variation 2451304 (VCV002451304.5), dbSNP rs200775684, ClinGen allele CA43509407.